The following continues an entry in ClinVar:

NM_000202.8(IDS):c.1402C>T (p.Arg468Trp)

Gene: IDS. ClinVar aggregate classification (germline): Pathogenic/Likely pathogenic. Pathogenic (11); Likely pathogenic (1).

Submissions 14 to 16 of 16:

Division of Medical Genetics, Department of Pediatrics, All India Institute of Medical Sciences, New Delhi
Classification: Affects for Mucopolysaccharidosis, MPS-II. Last evaluated: 2014-04-05. Review status: no assertion criteria provided. Collection method: research. Allele origin: germline. Inheritance: X-linked recessive inheritance. Affected: yes. Observed: 3 variant alleles, 3 hemizygotes. Clinical features observed: Coarse facial features (HP:0000280), Arthropathy (HP:0003040), Macrocephaly (HP:0000256), Hepatosplenomegaly (HP:0001433), Developmental regression (HP:0002376), Delayed gross motor development (HP:0002194), Abnormality of the cardiovascular system (HP:0003116). Not counted in ClinVar's aggregate classification.
Comment: The change c.1402C>T (p.R468W) was found to be a missense variant, where the basic polar positive amino acid Arginine at 468 position is substituted by aromatic nonpolar neutral amino acid Tryptophan. It was detected in a hemizygous state in three patients from two families.

OMIM
Classification: Pathogenic for MUCOPOLYSACCHARIDOSIS, TYPE II, MILD FORM. Last evaluated: 1992-12-01. Review status: no assertion criteria provided. Collection method: literature only. Allele origin: germline. Not counted in ClinVar's aggregate classification.

GeneReviews
No classification provided. Condition: Mucopolysaccharidosis, MPS-II. Review status: no classification provided. Collection method: literature only. Allele origin: germline. Not counted in ClinVar's aggregate classification.

Literature cited by the submitters: PubMed 1284597 (cited by 5 submitters); PubMed 15614569 (cited by 4 submitters); PubMed 28077157 (cited by 4 submitters); PubMed 30639582 (cited by 3 submitters); PubMed 8554071 (cited by Natera, Inc.); PubMed 35144014 (cited by Natera, Inc. and Laboratory of Diagnosis and Therapy of Lysosomal Disorders, University of Padova); PubMed 29966168 (cited by Natera, Inc.); PubMed 33960103 (cited by Natera, Inc. and Laboratory of Diagnosis and Therapy of Lysosomal Disorders, University of Padova); PubMed 31877959 (cited by Natera, Inc. and Laboratory of Diagnosis and Therapy of Lysosomal Disorders, University of Padova); PubMed 27351199 (cited by Laboratory of Diagnosis and Therapy of Lysosomal Disorders, University of Padova and Women's Health and Genetics/Laboratory Corporation of America, LabCorp); PubMed 24125893 (cited by Laboratory of Diagnosis and Therapy of Lysosomal Disorders, University of Padova and Counsyl); PubMed 34813777 (cited by Laboratory of Diagnosis and Therapy of Lysosomal Disorders, University of Padova); PubMed 9660053 (cited by Laboratory of Diagnosis and Therapy of Lysosomal Disorders, University of Padova and Counsyl); PubMed 8664909 (cited by Laboratory of Diagnosis and Therapy of Lysosomal Disorders, University of Padova); PubMed 10447264 (cited by Laboratory of Diagnosis and Therapy of Lysosomal Disorders, University of Padova); PubMed 8111411 (cited by Laboratory of Diagnosis and Therapy of Lysosomal Disorders, University of Padova); PubMed 9501270 (cited by Laboratory of Diagnosis and Therapy of Lysosomal Disorders, University of Padova); PubMed 7887413 (cited by Laboratory of Diagnosis and Therapy of Lysosomal Disorders, University of Padova); PubMed 16133661 (cited by Laboratory of Diagnosis and Therapy of Lysosomal Disorders, University of Padova); PubMed 9950361 (cited by Laboratory of Diagnosis and Therapy of Lysosomal Disorders, University of Padova); PubMed 16480701 (cited by Laboratory of Diagnosis and Therapy of Lysosomal Disorders, University of Padova); PubMed 9266380 (cited by Laboratory of Diagnosis and Therapy of Lysosomal Disorders, University of Padova); PubMed 12048688 (cited by Laboratory of Diagnosis and Therapy of Lysosomal Disorders, University of Padova); PubMed 11683780 (cited by Laboratory of Diagnosis and Therapy of Lysosomal Disorders, University of Padova); PubMed 22976768 (cited by Laboratory of Diagnosis and Therapy of Lysosomal Disorders, University of Padova); PubMed 7728156 (cited by Laboratory of Diagnosis and Therapy of Lysosomal Disorders, University of Padova); PubMed 33676511 (cited by Laboratory of Diagnosis and Therapy of Lysosomal Disorders, University of Padova); PubMed 21291454 (cited by Laboratory of Diagnosis and Therapy of Lysosomal Disorders, University of Padova and Counsyl); PubMed 27146977 (cited by Laboratory of Diagnosis and Therapy of Lysosomal Disorders, University of Padova); PubMed 21829674 (cited by Laboratory of Diagnosis and Therapy of Lysosomal Disorders, University of Padova); PubMed 36713083 (cited by Laboratory of Diagnosis and Therapy of Lysosomal Disorders, University of Padova); PubMed 34670126 (cited by Laboratory of Diagnosis and Therapy of Lysosomal Disorders, University of Padova); PubMed 36945845 (cited by Laboratory of Diagnosis and Therapy of Lysosomal Disorders, University of Padova); NCBI Bookshelf NBK1274 (cited by GeneReviews); PubMed 20301451 (cited by GeneReviews).